The following is an entry in ClinVar:

NM_005633.4(SOS1):c.743G>A (p.Arg248His)

Gene: SOS1 (SOS Ras/Rac guanine nucleotide exchange factor 1; minus strand). Cytogenetic location: 2p22.1.
Variant type: single nucleotide variant.
Coding change: c.743G>A on transcript NM_005633.4 (MANE Select); coding-DNA position 743, G replaced by A.
Protein change: p.Arg248His; replaces arginine 248 with histidine.
Molecular consequence: missense variant.
Genome position (GRCh38, 1-based): chr2:39,051,265, C>T on the plus strand (G>A on the coding strand, the complement: SOS1 is on the minus strand). VCF-style: chr2-39051265-C-T. GRCh37 (hg19) VCF-style: chr2-39278406-C-T.
Other names: c.722G>A, p.Arg241His (NM_001382394.1); c.743G>A, p.Arg248His (NM_001382395.1); short protein forms R241H, R248H.
Identifiers: ClinVar variation 1723273 (VCV001723273.6), dbSNP rs775052125, ClinGen allele CA1624727.

ClinVar aggregate classification (germline): Uncertain significance. Review status: criteria provided, multiple submitters, no conflicts (2 of 4 stars). 2 submissions from 2 submitters: Uncertain significance (2). Last evaluated 2026-06-18.

Conditions:
Cardiovascular phenotype. Identifiers: MedGen CN230736.

Allele frequency attached by ClinVar (database versions not stated): TOPMed 0.00001; ExAC 0.00002.
gnomAD v4.1: 16 of 1,610,432 alleles (0.00099%); highest among the groups gnomAD compares: Admixed American, 0.0067%; no homozygotes.

Submissions (2):

Women's Health and Genetics/Laboratory Corporation of America, LabCorp
Classification: Uncertain significance. Last evaluated: 2026-06-18. Review status: criteria provided, single submitter. Criteria: LabCorp Variant Classification Summary - May 2015. Collection method: clinical testing. Allele origin: germline.
Comment: Variant summary: SOS1 c.743G>A (p.Arg248His) results in a non-conservative amino acid change located in the Dbl homology (DH) domain of the encoded protein sequence. Algorithms developed to predict the effect of missense changes on protein structure and function all suggest that this variant is likely to be disruptive. The variant allele was found at a frequency of 2e-05 in 251212 control chromosomes. The available data on variant occurrences in the general population are insufficient to allow any conclusion about variant significance. To our knowledge, no occurrence of c.743G>A in individuals affected with SOS1-related conditions and no experimental evidence demonstrating its impact on protein function have been reported. ClinVar contains an entry for this variant (Variation ID: 1723273). Based on the evidence outlined above, the variant was classified as uncertain significance.

Ambry Genetics
Classification: Uncertain significance for Cardiovascular phenotype. Last evaluated: 2026-05-12. Review status: criteria provided, single submitter. Criteria: Ambry Variant Classification Scheme 2023. Collection method: clinical testing. Allele origin: germline.
Comment: The p.R248H variant (also known as c.743G>A), located in coding exon 6 of the SOS1 gene, results from a G to A substitution at nucleotide position 743. The arginine at codon 248 is replaced by histidine, an amino acid with highly similar properties. This amino acid position is well conserved in available vertebrate species. In addition, the in silico prediction for this alteration is inconclusive. Based on the available evidence, the clinical significance of this variant remains unclear.